The following is an entry in ClinVar:

NM_006918.5(SC5D):c.*263G>A

Gene: SC5D (sterol-C5-desaturase; plus strand). Cytogenetic location: 11q24.1.
Variant type: single nucleotide variant.
Coding change: c.*263G>A on transcript NM_006918.5 (MANE Select); 263 bases downstream of the stop codon, G replaced by A.
Molecular consequence: 3 prime UTR variant.
Genome position (GRCh38, 1-based): chr11:121,307,775, G>A. VCF-style: chr11-121307775-G-A. GRCh37 (hg19) VCF-style: chr11-121178484-G-A.
Other names: c.*263G>A (NM_001024956.3).
Identifiers: ClinVar variation 303058 (VCV000303058.5), dbSNP rs146228207, ClinGen allele CA10637567.

ClinVar aggregate classification (germline): Likely benign (1 of 4 stars; one submission).

Conditions:
Lathosterolosis. Also called: SC5D DEFICIENCY; STEROL C5-DESATURASE DEFICIENCY. Identifiers: Orphanet 46059, MedGen C1846421, MONDO:0011816, OMIM 607330.

Allele frequency attached by ClinVar (database versions not stated): gnomAD 0.00037 and 0.00056; TOPMed 0.00069; gnomAD exomes 0.00091; 1000 Genomes Project 0.00240; 1000 Genomes Project 30x 0.00250.

Submission:

Illumina Laboratory Services, Illumina
Classification: Likely benign for Lathosterolosis. Last evaluated: 2018-01-12. Review status: criteria provided, single submitter. Criteria: ICSL Variant Classification Criteria 13 December 2019. Collection method: clinical testing. Allele origin: germline.
Comment: This variant was observed in the ICSL laboratory as part of a predisposition screen in an ostensibly healthy population. It had not been previously curated by ICSL or reported in the Human Gene Mutation Database (HGMD: prior to June 1st, 2018), and was therefore a candidate for classification through an automated scoring system. Utilizing variant allele frequency, disease prevalence and penetrance estimates, and inheritance mode, an automated score was calculated to assess if this variant is too frequent to cause the disease. Based on the score and internal cut-off values, a variant classified as likely benign is not then subjected to further curation. The score for this variant resulted in a classification of likely benign for this disease.